The following is an entry in ClinVar:

ClinVar aggregate classification (germline): Likely pathogenic (1 of 4 stars; one submission).

Conditions:
Primary dilated cardiomyopathy (DCM). Also called: Dilated Cardiomyopathy. Identifiers: Orphanet 217604, MedGen C0007193, MeSH D002311, MONDO:0005021, HP:0001644. Inheritance: Various modes of inheritance.

Submission:

Laboratory for Molecular Medicine, Mass General Brigham Personalized Medicine
Classification: Likely pathogenic for Primary dilated cardiomyopathy. Last evaluated: 2021-09-21. Review status: criteria provided, single submitter. Criteria: ACMG Guidelines, 2015. Collection method: clinical testing. Allele origin: germline. Inheritance: Autosomal dominant inheritance.
Comment: The p.Lys11030GlufsX11 variant in TTN has not been previously reported in individuals with cardiomyopathy nor in large population studies. This variant is predicted to cause a frameshift, which alters the protein’s amino acid sequence beginning at position 11030 and leads to a premature termination codon 11 amino acids downstream. This alteration is then predicted to lead to a truncated or absent protein. TTN truncating variants encoded in constitutive exons (PSI >95%) have been found to be significantly associated with dilated cardiomyopathy (DCM) regardless of their position in titin (Roberts 2015 PMID:25589632, Schafer 2017 PMID:27869827). The p.Lys11030GlufsX11 variant is located in such a highly expressed exon in the I-band. In summary, although additional studies are required to fully establish its clinical significance, this variant meets criteria to be classified as likely pathogenic for autosomal dominant DCM. ACMG/AMP Criteria applied: PVS1, PM2_Supporting.

Literature cited by the submitters: PubMed 25589632; PubMed 27869827.

NM_001267550.2(TTN):c.40791dup (p.Lys13598fs)

Gene: TTN (titin; minus strand). Cytogenetic location: 2q31.2.
Variant type: Duplication.
Coding change: c.40791dup on transcript NM_001267550.2 (MANE Select); coding-DNA position 40791, one base duplicated (G; older notation c.40791dupG).
Protein change: p.Lys13598fs; shifts the reading frame from lysine 13598.
Molecular consequence: frameshift variant.
Genome position (GRCh38, 1-based): chr2:178,639,784, C duplicated on the plus strand (G on the coding strand, the reverse complement: TTN is on the minus strand). VCF-style (leftmost placement, unchanged base first): chr2-178639783-T-TC. GRCh37 (hg19) VCF-style: chr2-179504510-T-TC.
Other names: c.35868dup, p.Lys11957fs (NM_001256850.1); c.13596dup, p.Lys4533fs (NM_003319.4); c.33087dup, p.Lys11030fs (NM_133378.4); c.13971dup, p.Lys4658fs (NM_133432.3); c.14172dup, p.Lys4725fs (NM_133437.4); short protein forms K11030fs, K11957fs, K13598fs, K4533fs, K4658fs, K4725fs.
Identifiers: ClinVar variation 3075832 (VCV003075832.1), dbSNP rs2471754553, ClinGen allele CA2739292294.